The following is an entry in ClinVar:

NM_001270.4(CHD1):c.4678C>T (p.Arg1560Ter)

Gene: CHD1 (chromodomain helicase DNA binding protein 1; minus strand). Cytogenetic location: 5q15.
Variant type: single nucleotide variant.
Coding change: c.4678C>T on transcript NM_001270.4 (MANE Select); coding-DNA position 4678, C replaced by T.
Protein change: p.Arg1560Ter; replaces arginine 1560 with a stop codon.
Molecular consequence: nonsense. On other transcripts: non-coding transcript variant (2).
Genome position (GRCh38, 1-based): chr5:98,858,289, G>A on the plus strand (C>T on the coding strand, the complement: CHD1 is on the minus strand). VCF-style: chr5-98858289-G-A. GRCh37 (hg19) VCF-style: chr5-98193993-G-A.
Other names: c.4942C>T, p.Arg1648Ter (NM_001364113.3); c.4678C>T, p.Arg1560Ter (NM_001376194.2); short protein forms R1560*, R1648*.
Identifiers: ClinVar variation 5017431 (VCV005017431.1).

ClinVar aggregate classification (germline): Uncertain significance (1 of 4 stars; one submission).

gnomAD v4.1: 1 of 1,612,820 alleles (0.000062%); highest among the groups gnomAD compares: Non-Finnish European, 0.000085%; no homozygotes.

Submission:

GeneDx
Classification: Uncertain significance. Last evaluated: 2026-03-24. Review status: criteria provided, single submitter. Criteria: GeneDx Variant Classification Process June 2021. Collection method: clinical testing. Allele origin: germline.
Comment: Nonsense variant predicted to result in protein truncation or nonsense mediated decay in a gene or region of a gene for which loss of function is not a well-established mechanism of disease; Not observed at significant frequency in large population cohorts (gnomAD); Has not been previously published as pathogenic or benign to our knowledge